The following is an entry in ClinVar:

ClinVar aggregate classification (germline): Pathogenic (1 of 4 stars; one submission).

gnomAD v4.1: 11 of 1,613,398 alleles (0.00068%); highest among the groups gnomAD compares: Non-Finnish European, 0.00093%; no homozygotes.

Submission:

Labcorp Genetics (formerly Invitae), Labcorp
Classification: Pathogenic. Last evaluated: 2025-07-01. Review status: criteria provided, single submitter. Criteria: Invitae Variant Classification Sherloc (09022015). Collection method: clinical testing. Allele origin: germline.
Comment: This sequence change creates a premature translational stop signal (p.Trp283*) in the GHRHR gene. It is expected to result in an absent or disrupted protein product. Loss-of-function variants in GHRHR are known to be pathogenic (PMID: 12444890, 16355809). This variant is not present in population databases (gnomAD no frequency). This variant has not been reported in the literature in individuals affected with GHRHR-related conditions. ClinVar contains an entry for this variant (Variation ID: 3697787). Algorithms developed to predict the effect of sequence changes on RNA splicing suggest that this variant may create or strengthen a splice site. For these reasons, this variant has been classified as Pathogenic.

Literature cited by the submitters: PubMed 12444890; PubMed 16355809.

NM_000823.4(GHRHR):c.848G>A (p.Trp283Ter)

Gene: GHRHR (growth hormone releasing hormone receptor; plus strand). Cytogenetic location: 7p14.3.
Variant type: single nucleotide variant.
Coding change: c.848G>A on transcript NM_000823.4 (MANE Select); coding-DNA position 848, G replaced by A.
Protein change: p.Trp283Ter; replaces tryptophan 283 with a stop codon.
Molecular consequence: nonsense.
Genome position (GRCh38, 1-based): chr7:30,975,006, G>A. VCF-style: chr7-30975006-G-A. GRCh37 (hg19) VCF-style: chr7-31014621-G-A.
Other names: short protein forms W283*.
Identifiers: ClinVar variation 3697787 (VCV003697787.2).